The following is an entry in ClinVar:

NM_001365902.3(NFIX):c.666G>A (p.Trp222Ter)

Gene: NFIX (nuclear factor I X; plus strand). Cytogenetic location: 19p13.13.
Variant type: single nucleotide variant.
Coding change: c.666G>A on transcript NM_001365902.3 (MANE Select); coding-DNA position 666, G replaced by A.
Protein change: p.Trp222Ter; replaces tryptophan 222 with a stop codon.
Molecular consequence: nonsense.
Genome position (GRCh38, 1-based): chr19:13,073,465, G>A. VCF-style: chr19-13073465-G-A. GRCh37 (hg19) VCF-style: chr19-13184279-G-A.
Other names: c.690G>A, p.Trp230Ter (NM_001271043.2); c.642G>A, p.Trp214Ter (NM_001271044.3, NM_001378404.1); c.666G>A, p.Trp222Ter (NM_001365982.2, NM_002501.4); c.525G>A, p.Trp175Ter (NM_001365983.2); c.663G>A, p.Trp221Ter (NM_001365984.2, NM_001365985.2); c.714G>A, p.Trp238Ter (NM_001378405.1); short protein forms W222*, W230*, W175*, W221*, W214*, W238*.
Identifiers: ClinVar variation 280621 (VCV000280621.2), dbSNP rs886041792, ClinGen allele CA10603430.
Genomic context (GRCh38, chr19:13,073,465, plus strand): 5'-TCCTTTCCCCTCTTCAGGGCACTTAAGTTTCCAGGACTGTTTTGTGACTTCCGGGGTCTG[G>A]AATGTGACGGAGCTGGTGAGAGTATCACAGAGTAAGTGAGTCCTTCCTTCCAGGCCAGGG-3'

ClinVar aggregate classification (germline): Pathogenic (1 of 4 stars; one submission).

Submission:

GeneDx
Classification: Pathogenic. Last evaluated: 2016-05-19. Review status: criteria provided, single submitter. Criteria: GeneDx Variant Classification (06012015). Collection method: clinical testing. Allele origin: germline. Affected: yes.
Comment: The W230X variant in the NFIX gene has not been reported previously as a pathogenic variant nor as a benign variant, to our knowledge. This variant is predicted to cause loss of normal protein function either through protein truncation or nonsense-mediated mRNA decay. The W230X variant was not observed in approximately 6100 individuals of European and African American ancestry in the NHLBI Exome Sequencing Project, indicating it is not a common benign variant in these populations. We interpret W230X as a pathogenic variant